The following is an entry in ClinVar:

ClinVar aggregate classification (germline): Uncertain significance (1 of 4 stars; one submission).

Allele frequency attached by ClinVar (database versions not stated): gnomAD exomes 0.00001.
gnomAD v4.1: 19 of 1,547,334 alleles (0.0012%); highest among the groups gnomAD compares: Non-Finnish European, 0.0017%; no homozygotes.

Submission:

Labcorp Genetics (formerly Invitae), Labcorp
Classification: Uncertain significance. Last evaluated: 2022-07-12. Review status: criteria provided, single submitter. Criteria: Invitae Variant Classification Sherloc (09022015). Collection method: clinical testing. Allele origin: germline.
Comment: In summary, the available evidence is currently insufficient to determine the role of this variant in disease. Therefore, it has been classified as a Variant of Uncertain Significance. Algorithms developed to predict the effect of missense changes on protein structure and function output the following: SIFT: "Tolerated"; PolyPhen-2: "Benign"; Align-GVGD: "Class C0". The aspartic acid amino acid residue is found in multiple mammalian species, which suggests that this missense change does not adversely affect protein function. ClinVar contains an entry for this variant (Variation ID: 1515522). This variant has not been reported in the literature in individuals affected with TNFSF11-related conditions. This variant is present in population databases (no rsID available, gnomAD 0.003%). This sequence change replaces glutamic acid, which is acidic and polar, with aspartic acid, which is acidic and polar, at codon 27 of the TNFSF11 protein (p.Glu27Asp).

NM_003701.4(TNFSF11):c.81G>C (p.Glu27Asp)

Genes: TNFSF11 (TNF superfamily member 11; plus strand), LOC130009662 (ATAC-STARR-seq lymphoblastoid silent region 5301; plus strand). Cytogenetic location: 13q14.11.
Variant type: single nucleotide variant.
Coding change: c.81G>C on transcript NM_003701.4 (MANE Select); coding-DNA position 81, G replaced by C.
Protein change: p.Glu27Asp; replaces glutamic acid 27 with aspartic acid.
Molecular consequence: missense variant. On other transcripts: intron variant (1).
Genome position (GRCh38, 1-based): chr13:42,574,384, G>C. VCF-style: chr13-42574384-G-C. GRCh37 (hg19) VCF-style: chr13-43148520-G-C.
Other names: c.-1+2646G>C (NM_033012.4); short protein forms E27D.
Identifiers: ClinVar variation 1515522 (VCV001515522.6), dbSNP rs982726281, ClinGen allele CA249049731.